The following is an entry in ClinVar:

ClinVar aggregate classification (germline): Uncertain significance (1 of 4 stars; one submission).

Conditions:
Cardiovascular phenotype. Identifiers: MedGen CN230736.

Allele frequency attached by ClinVar (database versions not stated): gnomAD exomes below 0.00001.

Submission:

Ambry Genetics
Classification: Uncertain significance for Cardiovascular phenotype. Last evaluated: 2021-11-19. Review status: criteria provided, single submitter. Criteria: Ambry Variant Classification Scheme 2023. Collection method: clinical testing. Allele origin: germline.
Comment: The p.H69Y variant (also known as c.205C>T), located in coding exon 2 of the GPD1L gene, results from a C to T substitution at nucleotide position 205. The histidine at codon 69 is replaced by tyrosine, an amino acid with similar properties. This amino acid position is conserved. In addition, this alteration is predicted to be tolerated by in silico analysis. Since supporting evidence is limited at this time, the clinical significance of this alteration remains unclear.

NM_015141.4(GPD1L):c.205C>T (p.His69Tyr)

Gene: GPD1L (glycerol-3-phosphate dehydrogenase 1 like; plus strand). Cytogenetic location: 3p22.3.
Variant type: single nucleotide variant.
Coding change: c.205C>T on transcript NM_015141.4 (MANE Select); coding-DNA position 205, C replaced by T.
Protein change: p.His69Tyr; replaces histidine 69 with tyrosine.
Molecular consequence: missense variant.
Genome position (GRCh38, 1-based): chr3:32,128,233, C>T. VCF-style: chr3-32128233-C-T. GRCh37 (hg19) VCF-style: chr3-32169725-C-T.
Other names: short protein forms H69Y.
Identifiers: ClinVar variation 1785192 (VCV001785192.2), dbSNP rs2471386128, ClinGen allele CA351973420.